The following is an entry in ClinVar:

NM_000179.3(MSH6):c.1973T>C (p.Val658Ala)

Gene: MSH6 (mutS homolog 6; plus strand). Cytogenetic location: 2p16.3.
Variant type: single nucleotide variant.
Coding change: c.1973T>C on transcript NM_000179.3 (MANE Select); coding-DNA position 1973, T replaced by C.
Protein change: p.Val658Ala; replaces valine 658 with alanine.
Molecular consequence: missense variant.
Genome position (GRCh38, 1-based): chr2:47,799,956, T>C. VCF-style: chr2-47799956-T-C. GRCh37 (hg19) VCF-style: chr2-48027095-T-C.
Other names: c.1583T>C, p.Val528Ala (NM_001281492.2); c.1067T>C, p.Val356Ala (NM_001281493.2, NM_001281494.2, NM_001406811.1 and 6 more transcripts); c.2069T>C, p.Val690Ala (NM_001406795.1, NM_001406802.1); c.1973T>C, p.Val658Ala (NM_001406796.1, NM_001406798.1, NM_001406800.1 and 3 more transcripts); c.1676T>C, p.Val559Ala (NM_001406797.1, NM_001406801.1, NM_001406805.1 and 10 more transcripts); c.1448T>C, p.Val483Ala (NM_001406799.1, NM_001406806.1, NM_001406807.1); c.1895T>C, p.Val632Ala (NM_001406804.1); c.1979T>C, p.Val660Ala (NM_001406813.1); and 1 more; short protein forms V356A, V632A, V658A, V559A, V602A, V660A, V483A, V528A.
Identifiers: ClinVar variation 1783666 (VCV001783666.3), dbSNP rs2104379864, ClinGen allele CA346750611.

ClinVar aggregate classification (germline): Uncertain significance. Review status: criteria provided, multiple submitters, no conflicts (2 of 4 stars). 2 submissions from 2 submitters: Uncertain significance (2). Last evaluated 2025-06-18.

Conditions:
Hereditary nonpolyposis colorectal neoplasms. Identifiers: MedGen C0009405, MeSH D003123.
Hereditary cancer-predisposing syndrome. Also called: Neoplastic Syndromes, Hereditary; Tumor predisposition; Hereditary Cancer Syndrome; Hereditary neoplastic syndrome. Identifiers: Orphanet 140162, MedGen C0027672, MeSH D009386, MONDO:0015356.

Submissions (2):

Labcorp Genetics (formerly Invitae), Labcorp
Classification: Uncertain significance for Hereditary nonpolyposis colorectal neoplasms. Last evaluated: 2025-06-18. Review status: criteria provided, single submitter. Criteria: Invitae Variant Classification Sherloc (09022015). Collection method: clinical testing. Allele origin: germline.
Comment: This sequence change replaces valine, which is neutral and non-polar, with alanine, which is neutral and non-polar, at codon 658 of the MSH6 protein (p.Val658Ala). This variant is not present in population databases (gnomAD no frequency). This variant has not been reported in the literature in individuals affected with MSH6-related conditions. ClinVar contains an entry for this variant (Variation ID: 1783666). Invitae Evidence Modeling of protein sequence and biophysical properties (such as structural, functional, and spatial information, amino acid conservation, physicochemical variation, residue mobility, and thermodynamic stability) indicates that this missense variant is not expected to disrupt MSH6 protein function with a negative predictive value of 95%. In summary, the available evidence is currently insufficient to determine the role of this variant in disease. Therefore, it has been classified as a Variant of Uncertain Significance.

Ambry Genetics
Classification: Uncertain significance for Hereditary cancer-predisposing syndrome. Last evaluated: 2019-12-09. Review status: criteria provided, single submitter. Criteria: Ambry Variant Classification Scheme 2023. Collection method: clinical testing. Allele origin: germline.
Comment: The p.V658A variant (also known as c.1973T>C), located in coding exon 4 of the MSH6 gene, results from a T to C substitution at nucleotide position 1973. The valine at codon 658 is replaced by alanine, an amino acid with similar properties. This amino acid position is highly conserved in available vertebrate species. In addition, the in silico prediction for this alteration is inconclusive. Since supporting evidence is limited at this time, the clinical significance of this alteration remains unclear.